The following is an entry in ClinVar:

ClinVar aggregate classification (germline): Likely benign (1 of 4 stars; one submission).

Allele frequency attached by ClinVar (database versions not stated): gnomAD exomes below 0.00001.
gnomAD v4.1: 1 of 1,211,543 alleles (0.000083%); highest among the groups gnomAD compares: African/African-American, 0.0017%; no homozygotes.

Submission:

GeneDx
Classification: Likely benign. Last evaluated: 2018-03-05. Review status: criteria provided, single submitter. Criteria: GeneDx Variant Classification (06012015). Collection method: clinical testing. Allele origin: germline. Affected: yes.
Comment: This variant is considered likely benign or benign based on one or more of the following criteria: it is a conservative change, it occurs at a poorly conserved position in the protein, it is predicted to be benign by multiple in silico algorithms, and/or has population frequency not consistent with disease.

NM_000047.3(ARSL):c.1289+6G>C

Gene: ARSL (arylsulfatase L; minus strand). Cytogenetic location: Xp22.33.
Variant type: single nucleotide variant.
Coding change: c.1289+6G>C on transcript NM_000047.3 (MANE Select); 6 bases into the intron after coding-DNA position 1289, G replaced by C.
Molecular consequence: intron variant.
Genome position (GRCh38, 1-based): chrX:2,938,089, C>G on the plus strand (G>C on the coding strand, the complement: ARSL is on the minus strand). VCF-style: chrX-2938089-C-G. GRCh37 (hg19) VCF-style: chrX-2856130-C-G.
Other names: c.1364+6G>C (NM_001282628.2, NM_001369080.1); c.1127+6G>C (NM_001282631.2); c.1316+6G>C (NM_001369079.1).
Identifiers: ClinVar variation 515994 (VCV000515994.1), dbSNP rs1555908420, ClinGen allele CA658799574.